The following is an entry in ClinVar:

NM_000540.3(RYR1):c.4261G>A (p.Asp1421Asn)

Gene: RYR1 (ryanodine receptor 1; plus strand). Cytogenetic location: 19q13.2.
Variant type: single nucleotide variant.
Coding change: c.4261G>A on transcript NM_000540.3 (MANE Select); coding-DNA position 4261, G replaced by A.
Protein change: p.Asp1421Asn; replaces aspartic acid 1421 with asparagine.
Molecular consequence: missense variant.
Genome position (GRCh38, 1-based): chr19:38,475,418, G>A. VCF-style: chr19-38475418-G-A. GRCh37 (hg19) VCF-style: chr19-38966058-G-A.
Other names: c.4261G>A, p.Asp1421Asn (NM_001042723.2); short protein forms D1421N.
Identifiers: ClinVar variation 3074192 (VCV003074192.5), dbSNP rs983725107, ClinGen allele CA308082832.

ClinVar aggregate classification (germline): Uncertain significance. Review status: criteria provided, multiple submitters, no conflicts (2 of 4 stars). 4 submissions from 4 submitters: Uncertain significance (4). Last evaluated 2026-02-17.

Conditions:
RYR1-related disorder. Also called: RYR1-related condition; RYR1-related disorders. Identifiers: MedGen CN239331.
Malignant hyperthermia, susceptibility to, 1 (MHS1). Also called: Anesthesia related hyperthermia; Malignant hyperpyrexia; Fulminating hyperpyrexia; Pharmacogenic myopathy; RYR1-Related Malignant Hyperthermia Susceptibility; Malignant hyperthermia suceptibility 1. Identifiers: Orphanet 423, MedGen C2930980, MONDO:0007783, OMIM 145600.
Inborn genetic diseases. Identifiers: MedGen C0950123, MeSH D030342.

Allele frequency attached by ClinVar (database versions not stated): gnomAD exomes 0.00001; TOPMed 0.00001.
gnomAD v4.1: 7 of 1,613,822 alleles (0.00043%); highest among the groups gnomAD compares: Admixed American, 0.0033%; no homozygotes.

Submissions (4):

Ambry Genetics
Classification: Uncertain significance for Inborn genetic diseases. Last evaluated: 2026-02-17. Review status: criteria provided, single submitter. Criteria: Ambry Variant Classification Scheme 2023. Collection method: clinical testing. Allele origin: germline.

Labcorp Genetics (formerly Invitae), Labcorp
Classification: Uncertain significance for RYR1-related disorder. Last evaluated: 2025-02-17. Review status: criteria provided, single submitter. Criteria: Invitae Variant Classification Sherloc (09022015). Collection method: clinical testing. Allele origin: germline.
Comment: This sequence change replaces aspartic acid, which is acidic and polar, with asparagine, which is neutral and polar, at codon 1421 of the RYR1 protein (p.Asp1421Asn). This variant is not present in population databases (gnomAD no frequency). This variant has not been reported in the literature in individuals affected with RYR1-related conditions. ClinVar contains an entry for this variant (Variation ID: 3074192). Invitae Evidence Modeling of protein sequence and biophysical properties (such as structural, functional, and spatial information, amino acid conservation, physicochemical variation, residue mobility, and thermodynamic stability) indicates that this missense variant is not expected to disrupt RYR1 protein function with a negative predictive value of 80%. In summary, the available evidence is currently insufficient to determine the role of this variant in disease. Therefore, it has been classified as a Variant of Uncertain Significance.

All of Us Research Program, National Institutes of Health
Classification: Uncertain significance for Malignant hyperthermia, susceptibility to, 1. Last evaluated: 2023-11-02. Review status: criteria provided, single submitter. Criteria: ACMG Guidelines, 2015. Collection method: clinical testing. Allele origin: germline. Inheritance: Autosomal dominant inheritance. Observed: 1 variant allele, 1 heterozygote.
Comment: This missense variant replaces aspartic acid with asparagine at codon 1421 of the RYR1 protein. Computational prediction is inconclusive regarding the impact of this variant on protein structure and function (internally defined REVEL score threshold 0.5 < inconclusive < 0.7, PMID: 27666373). To our knowledge, functional studies have not been reported for this variant. This variant has not been reported in individuals affected with RYR1-related disorders in the literature. This variant has not been identified in the general population by the Genome Aggregation Database (gnomAD). The available evidence is insufficient to determine the role of this variant in disease conclusively. Therefore, this variant is classified as a Variant of Uncertain Significance.

This study involves interpretation of variants in research participants for the purpose of population health screening. Participant phenotype was not available at the time of variant classification. Additional details can be found in publication PMID: 35346344, PMCID: PMC8962531

Color Diagnostics, LLC DBA Color Health
Classification: Uncertain significance for Malignant hyperthermia, susceptibility to, 1. Last evaluated: 2023-10-18. Review status: criteria provided, single submitter. Criteria: ACMG Guidelines, 2015. Collection method: clinical testing. Allele origin: germline.
Comment: This missense variant replaces aspartic acid with asparagine at codon 1421 of the RYR1 protein. Computational prediction is inconclusive regarding the impact of this variant on protein structure and function. To our knowledge, functional studies have not been reported for this variant. This variant has not been reported in individuals affected with RYR1-related disorders in the literature. This variant has not been identified in the general population by the Genome Aggregation Database (gnomAD). The available evidence is insufficient to determine the role of this variant in disease conclusively. Therefore, this variant is classified as a Variant of Uncertain Significance.